The following is an entry in ClinVar:

ClinVar aggregate classification (germline): Likely benign. Review status: criteria provided, single submitter (1 of 4 stars). 2 submissions from 2 submitters: Likely benign (1). 1 of the submissions does not count toward it. Last evaluated 2024-04-01.

Conditions:
TRAPPC2L-related disorder. Also called: TRAPPC2L-related condition.

Allele frequency attached by ClinVar (database versions not stated): TOPMed 0.00162; ESP Exome Variant Server 0.00185; 1000 Genomes Project 0.00200; 1000 Genomes Project 30x 0.00203; gnomAD exomes 0.00016; gnomAD 0.00161.
gnomAD v4.1: 491 of 1,613,674 alleles (0.03%); highest among the groups gnomAD compares: African/African-American, 0.58%; 2 homozygotes.

Submissions (2):

CeGaT Center for Human Genetics Tuebingen
Classification: Likely benign. Last evaluated: 2024-04-01. Review status: criteria provided, single submitter. Criteria: CeGaT Center For Human Genetics Tuebingen Variant Classification Criteria Version 2. Collection method: clinical testing. Allele origin: germline. Affected: yes. Observed: 1 variant allele.
Comment: TRAPPC2L: BP4, BP7

PreventionGenetics, part of Exact Sciences
Classification: Likely benign for TRAPPC2L-related condition. Last evaluated: 2019-11-25. Review status: no assertion criteria provided. Collection method: clinical testing. Allele origin: germline. Not counted in ClinVar's aggregate classification.
Comment: This variant is classified as likely benign based on ACMG/AMP sequence variant interpretation guidelines (Richards et al. 2015 PMID: 25741868, with internal and published modifications).

NM_001318525.2(TRAPPC2L):c.216C>T (p.Tyr72=)

Gene: TRAPPC2L (trafficking protein particle complex subunit 2L; plus strand). Cytogenetic location: 16q24.3.
Variant type: single nucleotide variant.
Coding change: c.216C>T on transcript NM_001318525.2 (MANE Select); coding-DNA position 216, C replaced by T.
Protein change: p.Tyr72=; no amino-acid change (tyrosine 72 retained).
Molecular consequence: synonymous variant. On other transcripts: non-coding transcript variant (2).
Genome position (GRCh38, 1-based): chr16:88,859,672, C>T. VCF-style: chr16-88859672-C-T. GRCh37 (hg19) VCF-style: chr16-88926080-C-T.
Other names: c.216C>T, p.Tyr72= (NM_001318524.2, NM_016209.5); c.186C>T, p.Tyr62= (NM_001318526.2); c.123C>T, p.Tyr41= (NM_001318527.2, NM_001318529.2, NM_001318532.2); c.126C>T, p.Tyr42= (NM_001318528.2, NM_001318530.2).
Identifiers: ClinVar variation 3048269 (VCV003048269.21), dbSNP rs77686150, ClinGen allele CA8235627.
Genomic context (GRCh38, chr16:88,859,672, plus strand): 5'-CTCCACCGGCAGTCCCTGTGTTACGAGTGCCTTCCCTAACCAGCTGTGCAGATACGGCTA[C>T]GTCACCAACTCCAAGGTGAAGTTTGTCATGGTGGTAGATTCCTCCAACACAGCCCTTCGA-3'
Protein context (NP_001305454.1, residues 62-82): YPTEDYKVYG[Tyr72=]VTNSKVKFVM